The following is an entry in ClinVar:

ClinVar aggregate classification (germline): Uncertain significance. Review status: criteria provided, multiple submitters, no conflicts (2 of 4 stars). 2 submissions from 2 submitters: Uncertain significance (2). Last evaluated 2025-03-12.

Conditions:
Inborn genetic diseases. Identifiers: MedGen C0950123, MeSH D030342.
FUS-related disorder. Also called: FUS-related condition.

Allele frequency attached by ClinVar (database versions not stated): gnomAD exomes below 0.00001; TOPMed below 0.00001; gnomAD 0.00001.

Submissions (2):

PreventionGenetics, part of Exact Sciences
Classification: Uncertain significance for FUS-related condition. Last evaluated: 2025-03-12. Review status: criteria provided, single submitter. Criteria: ACMG Guidelines, 2015. Collection method: clinical testing. Allele origin: germline.
Comment: The FUS c.1079C>T variant is predicted to result in the amino acid substitution p.Ser360Phe. To our knowledge, this variant has not been reported in the literature or in a large population database (gnomAD), indicating this variant is rare. At this time, the clinical significance of this variant is uncertain due to the absence of conclusive functional and genetic evidence.

Ambry Genetics
Classification: Uncertain significance for Inborn genetic diseases. Last evaluated: 2021-11-29. Review status: criteria provided, single submitter. Criteria: Ambry Variant Classification Scheme 2023. Collection method: clinical testing. Allele origin: germline.

NM_004960.4(FUS):c.1079C>T (p.Ser360Phe)

Gene: FUS (FUS RNA binding protein; plus strand). Cytogenetic location: 16p11.2.
Variant type: single nucleotide variant.
Coding change: c.1079C>T on transcript NM_004960.4 (MANE Select); coding-DNA position 1079, C replaced by T.
Protein change: p.Ser360Phe; replaces serine 360 with phenylalanine.
Molecular consequence: missense variant. On other transcripts: non-coding transcript variant (1).
Genome position (GRCh38, 1-based): chr16:31,190,052, C>T. VCF-style: chr16-31190052-C-T. GRCh37 (hg19) VCF-style: chr16-31201373-C-T.
Other names: c.1076C>T, p.Ser359Phe (NM_001170634.1); c.1067C>T, p.Ser356Phe (NM_001170937.1); short protein forms S360F, S359F, S356F.
Identifiers: ClinVar variation 2262437 (VCV002262437.3), dbSNP rs920098950, ClinGen allele CA280600661.